The following is an entry in ClinVar:

ClinVar aggregate classification (germline): Uncertain significance. Review status: criteria provided, multiple submitters, no conflicts (2 of 4 stars). 3 submissions from 3 submitters: Uncertain significance (3). Last evaluated 2025-10-18.

Conditions:
Dyskeratosis congenita. Identifiers: Orphanet 1775, MedGen C0265965, MONDO:0015780.
Inborn genetic diseases. Identifiers: MedGen C0950123, MeSH D030342.
Pulmonary fibrosis and/or bone marrow failure, Telomere-related, 3. Also called: PULMONARY FIBROSIS AND/OR BONE MARROW FAILURE SYNDROME, TELOMERE-RELATED, 3. Identifiers: Orphanet 2032, MedGen C4225346, MONDO:0014613, OMIM 616373.
Dyskeratosis congenita, autosomal recessive 5 (DKCB5). Identifiers: MedGen C3554656, MONDO:0014076, OMIM 615190.

Allele frequency attached by ClinVar (database versions not stated): gnomAD exomes below 0.00001; TOPMed 0.00002; gnomAD 0.00003.
gnomAD v4.1: 7 of 1,612,232 alleles (0.00043%); highest among the groups gnomAD compares: African/African-American, 0.0053%; no homozygotes.

Submissions (3):

Labcorp Genetics (formerly Invitae), Labcorp
Classification: Uncertain significance for Dyskeratosis congenita, autosomal recessive 5; Pulmonary fibrosis and/or bone marrow failure, Telomere-related, 3. Last evaluated: 2025-10-18. Review status: criteria provided, single submitter. Criteria: Invitae Variant Classification Sherloc (09022015). Collection method: clinical testing. Allele origin: germline.
Comment: This sequence change replaces glycine, which is neutral and non-polar, with aspartic acid, which is acidic and polar, at codon 1235 of the RTEL1 protein (p.Gly1235Asp). This variant is present in population databases (no rsID available, gnomAD 0.003%). This variant has not been reported in the literature in individuals affected with RTEL1-related conditions. ClinVar contains an entry for this variant (Variation ID: 851078). An algorithm developed to predict the effect of missense changes on protein structure and function (PolyPhen-2) suggests that this variant is likely to be tolerated. In summary, the available evidence is currently insufficient to determine the role of this variant in disease. Therefore, it has been classified as a Variant of Uncertain Significance.

Ambry Genetics
Classification: Uncertain significance for Inborn genetic diseases. Last evaluated: 2024-10-02. Review status: criteria provided, single submitter. Criteria: Ambry Variant Classification Scheme 2023. Collection method: clinical testing. Allele origin: germline.
Comment: The p.G1235D variant (also known as c.3704G>A), located in coding exon 33 of the RTEL1 gene, results from a G to A substitution at nucleotide position 3704. The glycine at codon 1235 is replaced by aspartic acid, an amino acid with similar properties. This amino acid position is conserved. In addition, this alteration is predicted to be tolerated by in silico analysis. Based on the available evidence, the clinical significance of this variant remains unclear.

Sema4
Classification: Uncertain significance for Dyskeratosis congenita. Last evaluated: 2021-09-03. Review status: criteria provided, single submitter. Criteria: Sema4 Curation Guidelines. Collection method: curation. Allele origin: germline.
Comment: The RTEL1 c.3704G>A (p.G1235D) variant has not been reported in the literature to our knowledge. It was observed in 1/34496 chromosomes of the Latino subpopulation in the large and broad cohorts of the Genome Aggregation Database (PMID: 32461654). The variant has been reported in ClinVar (Variation ID 851078). Functional studies have not been performed, and in silico predictions of the variant's effect on protein function are inconclusive. The evidence is insufficient to meet ACMG/AMP criteria for classifying the variant as benign or pathogenic. Thus, the clinical significance of this variant is currently uncertain.

NM_001283009.2(RTEL1):c.3704G>A (p.Gly1235Asp)

Genes: RTEL1 (regulator of telomere elongation helicase 1; plus strand), RTEL1-TNFRSF6B (RTEL1-TNFRSF6B readthrough (NMD candidate); plus strand). Cytogenetic location: 20q13.33.
Variant type: single nucleotide variant.
Coding change: c.3704G>A on transcript NM_001283009.2 (MANE Select); coding-DNA position 3704, G replaced by A.
Protein change: p.Gly1235Asp; replaces glycine 1235 with aspartic acid.
Molecular consequence: missense variant. On other transcripts: non-coding transcript variant (1), intron variant (3).
Genome position (GRCh38, 1-based): chr20:63,695,532, G>A. VCF-style: chr20-63695532-G-A. GRCh37 (hg19) VCF-style: chr20-62326885-G-A.
Other names: c.2983+52G>A (NM_001283010.1); c.3724+52G>A (NM_032957.5); c.3652+52G>A (NM_016434.4); short protein forms G1235D.
Identifiers: ClinVar variation 851078 (VCV000851078.9), dbSNP rs942254441, ClinGen allele CA317530119.